The following is an entry in ClinVar:

ClinVar aggregate classification (germline): Uncertain significance (1 of 4 stars; one submission).

Conditions:
Brachyolmia-amelogenesis imperfecta syndrome. Also called: Tooth agenesis, selective, 6; Dental anomalies and short stature; PLATYSPONDYLY WITH AMELOGENESIS IMPERFECTA. Identifiers: Orphanet 2899, MedGen C1832594, MONDO:0011018, OMIM 601216. Disease mechanism: loss of function.

Submission:

Labcorp Genetics (formerly Invitae), Labcorp
Classification: Uncertain significance for Brachyolmia-amelogenesis imperfecta syndrome. Last evaluated: 2023-07-28. Review status: criteria provided, single submitter. Criteria: Invitae Variant Classification Sherloc (09022015). Collection method: clinical testing. Allele origin: germline.
Comment: In summary, the available evidence is currently insufficient to determine the role of this variant in disease. Therefore, it has been classified as a Variant of Uncertain Significance. Algorithms developed to predict the effect of sequence changes on RNA splicing suggest that this variant may disrupt the consensus splice site. An algorithm developed to predict the effect of missense changes on protein structure and function (PolyPhen-2) suggests that this variant is likely to be tolerated. This variant has not been reported in the literature in individuals affected with LTBP3-related conditions. This variant is not present in population databases (gnomAD no frequency). This sequence change replaces glutamic acid, which is acidic and polar, with glycine, which is neutral and non-polar, at codon 509 of the LTBP3 protein (p.Glu509Gly).

NM_001130144.3(LTBP3):c.1526A>G (p.Glu509Gly)

Gene: LTBP3 (latent transforming growth factor beta binding protein 3; minus strand). Cytogenetic location: 11q13.1.
Variant type: single nucleotide variant.
Coding change: c.1526A>G on transcript NM_001130144.3 (MANE Select); coding-DNA position 1526, A replaced by G.
Protein change: p.Glu509Gly; replaces glutamic acid 509 with glycine.
Molecular consequence: missense variant.
Genome position (GRCh38, 1-based): chr11:65,551,977, T>C on the plus strand (A>G on the coding strand, the complement: LTBP3 is on the minus strand). VCF-style: chr11-65551977-T-C. GRCh37 (hg19) VCF-style: chr11-65319448-T-C.
Other names: c.1175A>G, p.Glu392Gly (NM_001164266.1); c.1526A>G, p.Glu509Gly (NM_021070.4); short protein forms E509G, E392G.
Identifiers: ClinVar variation 2747809 (VCV002747809.3), dbSNP rs2496168825, ClinGen allele CA381273048.